The following is an entry in ClinVar:

ClinVar aggregate classification (germline): Conflicting classifications of pathogenicity. Review status: criteria provided, conflicting classifications (1 of 4 stars). 2 submissions from 2 submitters: Uncertain significance (1); Likely benign (1). Last evaluated 2018-05-07.

Submissions (2):

GeneDx
Classification: Likely benign. Last evaluated: 2018-05-07. Review status: criteria provided, single submitter. Criteria: GeneDx Variant Classification (06012015). Collection method: clinical testing. Allele origin: germline. Affected: yes.
Comment: This variant is considered likely benign or benign based on one or more of the following criteria: it is a conservative change, it occurs at a poorly conserved position in the protein, it is predicted to be benign by multiple in silico algorithms, and/or has population frequency not consistent with disease.

Eurofins Ntd Llc (ga)
Classification: Uncertain significance. Last evaluated: 2015-09-09. Review status: criteria provided, single submitter. Criteria: EGL Classification Definitions 2015. Collection method: clinical testing. Allele origin: germline. Observed: 1 variant allele, 1 heterozygote.

NM_001267550.2(TTN):c.58205A>G (p.Glu19402Gly)

Genes: TTN (titin; minus strand), TTN-AS1 (TTN antisense RNA 1; plus strand). Cytogenetic location: 2q31.2.
Variant type: single nucleotide variant.
Coding change: c.58205A>G on transcript NM_001267550.2 (MANE Select); coding-DNA position 58205, A replaced by G.
Protein change: p.Glu19402Gly; replaces glutamic acid 19402 with glycine.
Molecular consequence: missense variant.
Genome position (GRCh38, 1-based): chr2:178,594,188, T>C on the plus strand (A>G on the coding strand, the complement: TTN is on the minus strand). VCF-style: chr2-178594188-T-C. GRCh37 (hg19) VCF-style: chr2-179458915-T-C.
Other names: c.53282A>G, p.Glu17761Gly (NM_001256850.1); c.31010A>G, p.Glu10337Gly (NM_003319.4); c.50501A>G, p.Glu16834Gly (NM_133378.4); c.31385A>G, p.Glu10462Gly (NM_133432.3); c.31586A>G, p.Glu10529Gly (NM_133437.4); short protein forms E16834G, E17761G, E19402G, E10462G, E10529G, E10337G.
Identifiers: ClinVar variation 283023 (VCV000283023.7), dbSNP rs886042539, ClinGen allele CA10604374.
Genomic context (GRCh38, chr2:178,594,188, plus strand): 5'-TTGAACCAGGAAACCTTAGGCTTTGGTTTGCCTGAGTAACGGCCAGTGAGGGCAAAAGCT[T>C]CACCAACTCGAATCGTGAGCTTATCTCTGAAGTCGAGGTGAAGCGTTGGGGGTGCTAAAA-3'
Protein context (NP_001254479.2, residues 19392-19412): FRDKLTIRVG[Glu19402Gly]AFALTGRYSG